The following is an entry in ClinVar:

ClinVar aggregate classification (germline): Conflicting classifications of pathogenicity. Review status: criteria provided, conflicting classifications (1 of 4 stars). 2 submissions from 2 submitters: Likely pathogenic (1); Uncertain significance (1). Last evaluated 2025-04-03.

Conditions:
Inclusion body myopathy with Paget disease of bone and frontotemporal dementia. Also called: Inclusion body myopathy with early-onset Paget disease and frontotemporal dementia. Identifiers: Orphanet 52430, MedGen C1833662, MONDO:0000507.
Frontotemporal dementia and/or amyotrophic lateral sclerosis 6 (FTDALS6). Also called: VCP-Related Amyotrophic Lateral Sclerosis; VCP-Related Amyotrophic Lateral Sclerosis/Frontotemporal Dementia. Identifiers: Orphanet 275872, Orphanet 803, MedGen C5436279, MONDO:0013501, OMIM 613954.
VCP-related disorder. Also called: VCP-related disorders; VCP-related condition.

Submissions (2):

PreventionGenetics, part of Exact Sciences
Classification: Uncertain significance for VCP-related condition. Last evaluated: 2025-04-03. Review status: criteria provided, single submitter. Criteria: ACMG Guidelines, 2015. Collection method: clinical testing. Allele origin: germline.
Comment: The VCP c.273C>G variant is predicted to result in the amino acid substitution p.Asn91Lys. This variant has been reported in an individual with behavioral variant frontotemporal dementia (bvFTD, Xu et al. 2024. PubMed ID: 39254359). This variant has not been reported in a large population database (gnomAD), indicating it is rare. A different missense change impacting the same amino acid (c.271A>T, Asn91Tyr) has been reported to segregate in three members of a family with three different VCP-related disease phenotypes including: a rimmed vacuole myopathy in the proband, amyotrophic lateral sclerosis (ALS) in the sibling, and bvFTD in the father (Abrahao et al. 2016. PubMed ID: 27538664). Another different missense change impacting the same amino acid (c.271A>C, Asn91His) has been reported in an individual with inclusion body myopathy with Paget disease and frontotemporal dementia (IBMPFD) (Supplementary Case Report 1, Schiava et al. 2022. PubMed ID: 35896379). Although we suspect that the c.273C>G (p.Asn91Lys) variant may be pathogenic, at this time, the clinical significance of this variant is uncertain due to the absence of conclusive functional and genetic evidence.

Labcorp Genetics (formerly Invitae), Labcorp
Classification: Likely pathogenic for Inclusion body myopathy with Paget disease of bone and frontotemporal dementia; Frontotemporal dementia and/or amyotrophic lateral sclerosis 6. Last evaluated: 2025-01-15. Review status: criteria provided, single submitter. Criteria: Invitae Variant Classification Sherloc (09022015). Collection method: clinical testing. Allele origin: germline.
Comment: This sequence change replaces asparagine, which is neutral and polar, with lysine, which is basic and polar, at codon 91 of the VCP protein (p.Asn91Lys). This variant is not present in population databases (gnomAD no frequency). This missense change has been observed in individual(s) with clinical features of VCP-related conditions (internal data). ClinVar contains an entry for this variant (Variation ID: 1403085). Invitae Evidence Modeling of protein sequence and biophysical properties (such as structural, functional, and spatial information, amino acid conservation, physicochemical variation, residue mobility, and thermodynamic stability) indicates that this missense variant is expected to disrupt VCP protein function with a positive predictive value of 95%. This variant disrupts the p.Asn91 amino acid residue in VCP. Other variant(s) that disrupt this residue have been determined to be pathogenic (PMID: 27538664; internal data). This suggests that this residue is clinically significant, and that variants that disrupt this residue are likely to be disease-causing. In summary, the currently available evidence indicates that the variant is pathogenic, but additional data are needed to prove that conclusively. Therefore, this variant has been classified as Likely Pathogenic.

Literature cited by the submitters: PubMed 27538664 (cited by Labcorp Genetics (formerly Invitae), Labcorp).

NM_007126.5(VCP):c.273C>G (p.Asn91Lys)

Gene: VCP (valosin containing protein; minus strand). Cytogenetic location: 9p13.3.
Variant type: single nucleotide variant.
Coding change: c.273C>G on transcript NM_007126.5 (MANE Select); coding-DNA position 273, C replaced by G.
Protein change: p.Asn91Lys; replaces asparagine 91 with lysine.
Molecular consequence: missense variant.
Genome position (GRCh38, 1-based): chr9:35,067,920, G>C on the plus strand (C>G on the coding strand, the complement: VCP is on the minus strand). VCF-style: chr9-35067920-G-C. GRCh37 (hg19) VCF-style: chr9-35067917-G-C.
Other names: c.138C>G, p.Asn46Lys (NM_001354927.2, NM_001354928.2); c.273C>G (NM_007126.3); short protein forms N46K, N91K.
Identifiers: ClinVar variation 1403085 (VCV001403085.7), dbSNP rs1563980966, ClinGen allele CA373293470.